The following is an entry in ClinVar:

NM_000051.4(ATM):c.7021dup (p.Cys2341fs)

Genes: ATM (ATM serine/threonine kinase; plus strand), C11orf65 (chromosome 11 open reading frame 65; minus strand). Cytogenetic location: 11q22.3.
Variant type: Duplication.
Coding change: c.7021dup on transcript NM_000051.4 (MANE Select); coding-DNA position 7021, one base duplicated (T; older notation c.7021dupT).
Protein change: p.Cys2341fs; shifts the reading frame from cysteine 2341.
Molecular consequence: frameshift variant. On other transcripts: intron variant (2).
Genome position (GRCh38, 1-based): chr11:108,327,690, T duplicated; the last of 3 consecutive T bases (chr11:108,327,688-108,327,690); duplicating any one gives the same sequence. VCF-style (leftmost placement, unchanged base first): chr11-108327687-G-GT. GRCh37 (hg19) VCF-style: chr11-108198414-G-GT.
Other names: c.7021dup, p.Cys2341fs (NM_001351834.2); c.641-18617dup (NM_001330368.2); c.*38+7532dup (NM_001351110.2); short protein forms C2341fs.
Identifiers: ClinVar variation 1455720 (VCV001455720.8), dbSNP rs2136375625, ClinGen allele CA2573146603.

ClinVar aggregate classification (germline): Pathogenic (1 of 4 stars; one submission).

Conditions:
Ataxia-telangiectasia syndrome (AT). Also called: Ataxia-telangiectasia; LOUIS-BAR SYNDROME; Ataxia-telangiectasia, complementation group D; AT, COMPLEMENTATION GROUP C; ATAXIA-TELANGIECTASIA, COMPLEMENTATION GROUP A; ATAXIA-TELANGIECTASIA, FRESNO VARIANT. Identifiers: Orphanet 100, MedGen C0004135, MONDO:0008840, OMIM 208900.

Submission:

Labcorp Genetics (formerly Invitae), Labcorp
Classification: Pathogenic for Ataxia-telangiectasia syndrome. Last evaluated: 2021-10-17. Review status: criteria provided, single submitter. Criteria: Invitae Variant Classification Sherloc (09022015). Collection method: clinical testing. Allele origin: germline.
Comment: For these reasons, this variant has been classified as Pathogenic. This variant has not been reported in the literature in individuals affected with ATM-related conditions. This variant is not present in population databases (ExAC no frequency). This sequence change creates a premature translational stop signal (p.Cys2341Leufs*32) in the ATM gene. It is expected to result in an absent or disrupted protein product. Loss-of-function variants in ATM are known to be pathogenic (PMID: 23807571, 25614872).

Literature cited by the submitters: PubMed 23807571; PubMed 25614872.